The following is an entry in ClinVar:

NM_000263.4(NAGLU):c.449G>A (p.Trp150Ter)

Gene: NAGLU (N-acetyl-alpha-glucosaminidase; plus strand). Cytogenetic location: 17q21.2.
Variant type: single nucleotide variant.
Coding change: c.449G>A on transcript NM_000263.4 (MANE Select); coding-DNA position 449, G replaced by A.
Protein change: p.Trp150Ter; replaces tryptophan 150 with a stop codon.
Molecular consequence: nonsense.
Genome position (GRCh38, 1-based): chr17:42,537,463, G>A. VCF-style: chr17-42537463-G-A. GRCh37 (hg19) VCF-style: chr17-40689481-G-A.
Other names: short protein forms W150*.
Identifiers: ClinVar variation 2126048 (VCV002126048.5), dbSNP rs2510652171, ClinGen allele CA399598131.

ClinVar aggregate classification (germline): Pathogenic. Review status: criteria provided, multiple submitters, no conflicts (2 of 4 stars). 2 submissions from 2 submitters: Pathogenic (2). Last evaluated 2023-12-14.

Conditions:
Mucopolysaccharidosis, MPS-III-B (MPS3B). Also called: MPS IIIB (Sanfilippo Syndrome Type B); N-ACETYL-ALPHA-D-GLUCOSAMINIDASE DEFICIENCY; NAGLU DEFICIENCY; SANFILIPPO SYNDROME B; Mucopolysaccharidosis type IIIB (Sanfilippo B); MPS III B. Identifiers: Orphanet 79270, MedGen C0086648, MONDO:0009656, OMIM 252920.
Charcot-Marie-Tooth disease axonal type 2V. Also called: CHARCOT-MARIE-TOOTH NEUROPATHY, TYPE 2V; CHARCOT-MARIE-TOOTH DISEASE, AXONAL, AUTOSOMAL DOMINANT, TYPE 2V. Identifiers: Orphanet 447964, MedGen C5569050, MONDO:0014665, OMIM 616491.

gnomAD v4.1: 1 of 1,614,242 alleles (0.000062%); highest among the groups gnomAD compares: Non-Finnish European, 0.000085%; no homozygotes.

Submissions (2):

Labcorp Genetics (formerly Invitae), Labcorp
Classification: Pathogenic for Charcot-Marie-Tooth disease axonal type 2V; Mucopolysaccharidosis, MPS-III-B. Last evaluated: 2023-12-14. Review status: criteria provided, single submitter. Criteria: Invitae Variant Classification Sherloc (09022015). Collection method: clinical testing. Allele origin: germline.
Comment: This sequence change creates a premature translational stop signal (p.Trp150*) in the NAGLU gene. It is expected to result in an absent or disrupted protein product. Loss-of-function variants in NAGLU are known to be pathogenic (PMID: 9832037, 10094189, 16151907). This variant is not present in population databases (gnomAD no frequency). This variant has not been reported in the literature in individuals affected with NAGLU-related conditions. ClinVar contains an entry for this variant (Variation ID: 2126048). For these reasons, this variant has been classified as Pathogenic.

Myriad Genetics, Inc.
Classification: Pathogenic for Mucopolysaccharidosis, MPS-III-B. Last evaluated: 2023-08-04. Review status: criteria provided, single submitter. Criteria: Myriad Autosomal Dominant, Autosomal Recessive and X-Linked Classification Criteria (2023). Collection method: clinical testing. Allele origin: unknown.
Comment: NM_000263.3(NAGLU):c.449G>A(W150*) is expected to be pathogenic in the context of mucopolysaccharidosis type IIIB. This variant is predicted to lead to an abnormal or absent protein product due to the creation of a premature termination codon in NAGLU, a gene where loss-of-function variants are known to be pathogenic. Please note: this variant was assessed in the context of healthy population screening.

Literature cited by the submitters: PubMed 9832037 (cited by Labcorp Genetics (formerly Invitae), Labcorp); PubMed 10094189 (cited by Labcorp Genetics (formerly Invitae), Labcorp); PubMed 16151907 (cited by Labcorp Genetics (formerly Invitae), Labcorp).